The following is an entry in ClinVar:

NM_178335.3(CCDC50):c.698C>T (p.Pro233Leu)

Gene: CCDC50 (coiled-coil domain containing 50; plus strand). Cytogenetic location: 3q28.
Variant type: single nucleotide variant.
Coding change: c.698C>T on transcript NM_178335.3 (MANE Select); coding-DNA position 698, C replaced by T.
Protein change: p.Pro233Leu; replaces proline 233 with leucine.
Molecular consequence: missense variant. On other transcripts: intron variant (1).
Genome position (GRCh38, 1-based): chr3:191,375,311, C>T. VCF-style: chr3-191375311-C-T. GRCh37 (hg19) VCF-style: chr3-191093100-C-T.
Other names: c.449-4848C>T (NM_174908.4); short protein forms P233L.
Identifiers: ClinVar variation 2654354 (VCV002654354.24), dbSNP rs142679286, ClinGen allele CA355764297.

ClinVar aggregate classification (germline): Uncertain significance (1 of 4 stars; one submission).

Submission:

CeGaT Center for Human Genetics Tuebingen
Classification: Uncertain significance. Last evaluated: 2022-08-01. Review status: criteria provided, single submitter. Criteria: CeGaT Center For Human Genetics Tuebingen Variant Classification Criteria Version 2. Collection method: clinical testing. Allele origin: germline. Affected: yes. Observed: 1 variant allele.
Comment: CCDC50: PM2, BP4, BP5